The following is an entry in ClinVar:

ClinVar aggregate classification (germline): Likely pathogenic (1 of 4 stars; one submission).

Conditions:
Intellectual developmental disorder, autosomal dominant 55, with seizures. Also called: MENTAL RETARDATION, AUTOSOMAL DOMINANT 55, WITH SEIZURES; Intellectual disability, autosomal dominant 55, with seizures. Identifiers: MedGen C4693371, MONDO:0030921, OMIM 617831.

Submission:

Institute of Human Genetics, University of Leipzig Medical Center
Classification: Likely pathogenic for Intellectual developmental disorder, autosomal dominant 55, with seizures. Last evaluated: 2024-10-01. Review status: criteria provided, single submitter. Criteria: ACMG Guidelines, 2015. Collection method: clinical testing. Allele origin: unknown. Inheritance: Autosomal dominant inheritance. Affected: yes.
Comment: Criteria applied: PVS1_STR,PS4_SUP,PM2_SUP

NM_138459.5(NUS1):c.26G>A (p.Trp9Ter)

Gene: NUS1 (NUS1 dehydrodolichyl diphosphate synthase subunit; plus strand). Cytogenetic location: 6q22.1.
Variant type: single nucleotide variant.
Coding change: c.26G>A on transcript NM_138459.5 (MANE Select); coding-DNA position 26, G replaced by A.
Protein change: p.Trp9Ter; replaces tryptophan 9 with a stop codon.
Molecular consequence: nonsense.
Genome position (GRCh38, 1-based): chr6:117,675,696, G>A. VCF-style: chr6-117675696-G-A. GRCh37 (hg19) VCF-style: chr6-117996859-G-A.
Other names: c.26G>A (NM_138459.3); short protein forms W9*.
Identifiers: ClinVar variation 1329959 (VCV001329959.4), dbSNP rs2114674308, ClinGen allele CA365535744.